The following is an entry in ClinVar:

ClinVar aggregate classification (germline): Uncertain significance. Review status: criteria provided, multiple submitters, no conflicts (2 of 4 stars). 4 submissions from 4 submitters: Uncertain significance (4). Last evaluated 2026-07-20.

Conditions:
Usher syndrome type 2C. Also called: USHER SYNDROME, TYPE IIC; Usher syndrome, type 2B. Identifiers: Orphanet 231178, Orphanet 886, MedGen C2931213, MONDO:0011558, OMIM 605472.
Inborn genetic diseases. Identifiers: MedGen C0950123, MeSH D030342.
ADGRV1-related disorder. Also called: ADGRV1-related disorders; ADGRV1-related condition.

Allele frequency attached by ClinVar (database versions not stated): gnomAD exomes 0.00002; TOPMed 0.00002; 1000 Genomes Project 0.00020; 1000 Genomes Project 30x 0.00031.
gnomAD v4.1: 58 of 1,610,172 alleles (0.0036%); highest among the groups gnomAD compares: Middle Eastern, 0.017%; no homozygotes.

Submissions (4):

PreventionGenetics, part of Exact Sciences
Classification: Uncertain significance for ADGRV1-related condition. Last evaluated: 2026-07-20. Review status: criteria provided, single submitter. Criteria: ACMG Guidelines, 2015. Collection method: clinical testing. Allele origin: germline.
Comment: The ADGRV1 c.12536G>A variant is predicted to result in the amino acid substitution p.Arg4179Gln. To our knowledge, this variant has not been reported in the literature. This variant is reported in 0.0047% of alleles in individuals of European (Non-Finnish) descent in gnomAD. At this time, the clinical significance of this variant is uncertain due to the absence of conclusive functional and genetic evidence.

Ambry Genetics
Classification: Uncertain significance for Inborn genetic diseases. Last evaluated: 2025-03-21. Review status: criteria provided, single submitter. Criteria: Ambry Variant Classification Scheme 2023. Collection method: clinical testing. Allele origin: germline.

Labcorp Genetics (formerly Invitae), Labcorp
Classification: Uncertain significance. Last evaluated: 2022-07-06. Review status: criteria provided, single submitter. Criteria: Invitae Variant Classification Sherloc (09022015). Collection method: clinical testing. Allele origin: germline.
Comment: This sequence change replaces arginine, which is basic and polar, with glutamine, which is neutral and polar, at codon 4179 of the ADGRV1 protein (p.Arg4179Gln). This variant is present in population databases (rs201743191, gnomAD 0.006%). This variant has not been reported in the literature in individuals affected with ADGRV1-related conditions. ClinVar contains an entry for this variant (Variation ID: 907517). Algorithms developed to predict the effect of missense changes on protein structure and function are either unavailable or do not agree on the potential impact of this missense change (SIFT: "Deleterious"; PolyPhen-2: "Possibly Damaging"; Align-GVGD: "Class C0"). In summary, the available evidence is currently insufficient to determine the role of this variant in disease. Therefore, it has been classified as a Variant of Uncertain Significance.

Illumina Laboratory Services, Illumina
Classification: Uncertain significance for Usher syndrome type 2C. Last evaluated: 2018-01-13. Review status: criteria provided, single submitter. Criteria: ICSL Variant Classification Criteria 13 December 2019. Collection method: clinical testing. Allele origin: germline.

NM_032119.4(ADGRV1):c.12536G>A (p.Arg4179Gln)

Gene: ADGRV1 (adhesion G protein-coupled receptor V1; plus strand). Cytogenetic location: 5q14.3.
Variant type: single nucleotide variant.
Coding change: c.12536G>A on transcript NM_032119.4 (MANE Select); coding-DNA position 12536, G replaced by A.
Protein change: p.Arg4179Gln; replaces arginine 4179 with glutamine.
Molecular consequence: missense variant. On other transcripts: non-coding transcript variant (1).
Genome position (GRCh38, 1-based): chr5:90,777,913, G>A. VCF-style: chr5-90777913-G-A. GRCh37 (hg19) VCF-style: chr5-90073730-G-A.
Other names: short protein forms R4179Q.
Identifiers: ClinVar variation 907517 (VCV000907517.11), dbSNP rs201743191, ClinGen allele CA3341282.